The following is an entry in ClinVar:

ClinVar aggregate classification (germline): Uncertain significance. Review status: criteria provided, multiple submitters, no conflicts (2 of 4 stars). 6 submissions from 6 submitters: Uncertain significance (6). Last evaluated 2025-01-05.

Conditions:
Autoinflammatory syndrome. Identifiers: Orphanet 93665, MedGen C3890737, MONDO:0019751.
Chédiak-Higashi syndrome (CHS). Also called: Chediak-Higashi Syndrome. Identifiers: Orphanet 167, MedGen C0007965, MONDO:0008963, OMIM 214500.

Allele frequency attached by ClinVar (database versions not stated): gnomAD exomes 0.00002 and 0.00003; TOPMed 0.00003; gnomAD 0.00004; ExAC 0.00005; ESP Exome Variant Server 0.00008.

Submissions (6):

Mayo Clinic Laboratories, Mayo Clinic
Classification: Uncertain significance. Last evaluated: 2025-01-05. Review status: criteria provided, single submitter. Criteria: ACMG Guidelines, 2015. Collection method: clinical testing. Allele origin: germline. Observed: 1 variant allele.
Comment: BP4, PM2_supporting

Blueprint Genetics
Classification: Uncertain significance. Last evaluated: 2024-05-03. Review status: criteria provided, single submitter. Criteria: ACMG Guidelines, 2015. Collection method: clinical testing. Allele origin: germline.

Labcorp Genetics (formerly Invitae), Labcorp
Classification: Uncertain significance for Chédiak-Higashi syndrome. Last evaluated: 2022-06-22. Review status: criteria provided, single submitter. Criteria: Invitae Variant Classification Sherloc (09022015). Collection method: clinical testing. Allele origin: germline.
Comment: This sequence change replaces glutamic acid, which is acidic and polar, with lysine, which is basic and polar, at codon 464 of the LYST protein (p.Glu464Lys). This variant is present in population databases (rs374284011, gnomAD 0.006%). This variant has not been reported in the literature in individuals affected with LYST-related conditions. ClinVar contains an entry for this variant (Variation ID: 660511). Algorithms developed to predict the effect of missense changes on protein structure and function (SIFT, PolyPhen-2, Align-GVGD) all suggest that this variant is likely to be tolerated. In summary, the available evidence is currently insufficient to determine the role of this variant in disease. Therefore, it has been classified as a Variant of Uncertain Significance.

Fulgent Genetics
Classification: Uncertain significance for Chédiak-Higashi syndrome. Last evaluated: 2021-09-01. Review status: criteria provided, single submitter. Criteria: ACMG Guidelines, 2015. Collection method: clinical testing. Allele origin: unknown.

Centre for Mendelian Genomics, University Medical Centre Ljubljana
Classification: Uncertain significance for Chédiak-Higashi syndrome. Last evaluated: 2019-08-07. Review status: criteria provided, single submitter. Criteria: ACMG Guidelines, 2015. Collection method: clinical testing. Allele origin: unknown. Affected: yes.
Comment: This variant was classified as: Uncertain significance. The available evidence on this variant's pathogenicity is insufficient or conflicting. The following ACMG criteria were applied in classifying this variant: PM2.

Genome Diagnostics Laboratory, The Hospital for Sick Children
Classification: Uncertain significance for Autoinflammatory syndrome. Last evaluated: 2018-05-01. Review status: criteria provided, single submitter. Criteria: ACMG Guidelines, 2015. Collection method: clinical testing. Allele origin: germline. Affected: yes.

NM_000081.4(LYST):c.1390G>A (p.Glu464Lys)

Gene: LYST (lysosomal trafficking regulator; minus strand). Cytogenetic location: 1q42.3.
Variant type: single nucleotide variant.
Coding change: c.1390G>A on transcript NM_000081.4 (MANE Select); coding-DNA position 1390, G replaced by A.
Protein change: p.Glu464Lys; replaces glutamic acid 464 with lysine.
Molecular consequence: missense variant.
Genome position (GRCh38, 1-based): chr1:235,809,428, C>T on the plus strand (G>A on the coding strand, the complement: LYST is on the minus strand). VCF-style: chr1-235809428-C-T. GRCh37 (hg19) VCF-style: chr1-235972728-C-T.
Other names: p.Glu464Lys; c.1390G>A, p.Glu464Lys (NM_001301365.1); short protein forms E464K.
Identifiers: ClinVar variation 660511 (VCV000660511.15), dbSNP rs374284011, ClinGen allele CA1467477.